The following is an entry in ClinVar:

NM_000038.6(APC):c.324A>G (p.Gly108=)

Gene: APC (APC regulator of Wnt signaling pathway; plus strand). Cytogenetic location: 5q22.2.
Variant type: single nucleotide variant.
Coding change: c.324A>G on transcript NM_000038.6 (MANE Select); coding-DNA position 324, A replaced by G.
Protein change: p.Gly108=; no amino-acid change (glycine 108 retained).
Molecular consequence: synonymous variant. On other transcripts: 5 prime UTR variant (4), non-coding transcript variant (2).
Genome position (GRCh38, 1-based): chr5:112,767,292, A>G. VCF-style: chr5-112767292-A-G. GRCh37 (hg19) VCF-style: chr5-112102989-A-G.
Other names: c.324A>G, p.Gly108= (NM_001127510.3, NM_001354895.2, NM_001354896.2 and 16 more transcripts); c.354A>G, p.Gly118= (NM_001127511.3, NM_001354897.2, NM_001354902.2 and 1 more transcripts); c.249A>G, p.Gly83= (NM_001354898.2, NM_001354904.2, NM_001407451.1); c.147A>G, p.Gly49= (NM_001354900.2, NM_001354901.2, NM_001354905.2 and 1 more transcripts); c.-712A>G (NM_001354906.2, NM_001407470.1, NM_001407471.1 and 1 more transcripts).
Identifiers: ClinVar variation 2452717 (VCV002452717.2), dbSNP rs2149788749, ClinGen allele CA445753346.

ClinVar aggregate classification (germline): Benign/Likely benign. Review status: criteria provided, multiple submitters, no conflicts (2 of 4 stars). 2 submissions from 2 submitters: Benign (1); Likely benign (1). Last evaluated 2024-02-22.

Conditions:
Familial adenomatous polyposis 1 (FAP1). Also called: POLYPOSIS, ADENOMATOUS INTESTINAL; FAMILIAL ADENOMATOUS POLYPOSIS 1, ATTENUATED. Identifiers: MedGen C2713442, MONDO:0021056, OMIM 175100. Disease mechanism: loss of function.
Hereditary cancer-predisposing syndrome. Also called: Neoplastic Syndromes, Hereditary; Tumor predisposition; Hereditary neoplastic syndrome; Hereditary Cancer Syndrome. Identifiers: Orphanet 140162, MedGen C0027672, MeSH D009386, MONDO:0015356.

Submissions (2):

Myriad Genetics, Inc.
Classification: Benign for Familial adenomatous polyposis 1. Last evaluated: 2024-02-22. Review status: criteria provided, single submitter. Criteria: Myriad Autosomal Dominant, Autosomal Recessive and X-Linked Classification Criteria (2023). Collection method: clinical testing. Allele origin: unknown.
Comment: This variant is considered benign. This variant is a silent/synonymous amino acid change and it is not expected to impact splicing.

Ambry Genetics
Classification: Likely benign for Hereditary cancer-predisposing syndrome. Last evaluated: 2023-01-12. Review status: criteria provided, single submitter. Criteria: Ambry Variant Classification Scheme 2023. Collection method: clinical testing. Allele origin: germline.